The following is an entry in ClinVar:

ClinVar aggregate classification (germline): Uncertain significance (1 of 4 stars; one submission).

Submission:

GeneDx
Classification: Uncertain significance. Last evaluated: 2024-04-17. Review status: criteria provided, single submitter. Criteria: GeneDx Variant Classification Process June 2021. Collection method: clinical testing. Allele origin: germline. Affected: yes.
Comment: Not observed at significant frequency in large population cohorts (gnomAD); In silico analysis indicates that this missense variant does not alter protein structure/function; Has not been previously published as pathogenic or benign to our knowledge

NM_004521.3(KIF5B):c.2882A>G (p.Lys961Arg)

Gene: KIF5B (kinesin family member 5B; minus strand). Cytogenetic location: 10p11.22.
Variant type: single nucleotide variant.
Coding change: c.2882A>G on transcript NM_004521.3 (MANE Select); coding-DNA position 2882, A replaced by G.
Protein change: p.Lys961Arg; replaces lysine 961 with arginine.
Molecular consequence: missense variant.
Genome position (GRCh38, 1-based): chr10:32,015,539, T>C on the plus strand (A>G on the coding strand, the complement: KIF5B is on the minus strand). VCF-style: chr10-32015539-T-C. GRCh37 (hg19) VCF-style: chr10-32304467-T-C.
Other names: short protein forms K961R.
Identifiers: ClinVar variation 3372116 (VCV003372116.1).